The following is an entry in ClinVar:

ClinVar aggregate classification (germline): Pathogenic (1 of 4 stars; one submission).

Conditions:
Lethal congenital glycogen storage disease of heart. Also called: GLYCOGEN STORAGE DISEASE OF HEART; PHOSPHORYLASE KINASE DEFICIENCY OF HEART. Identifiers: Orphanet 439854, MedGen C1849813, MONDO:0009867, OMIM 261740.

Submission:

Labcorp Genetics (formerly Invitae), Labcorp
Classification: Pathogenic for Lethal congenital glycogen storage disease of heart. Last evaluated: 2024-06-26. Review status: criteria provided, single submitter. Criteria: Invitae Variant Classification Sherloc (09022015). Collection method: clinical testing. Allele origin: germline.
Comment: This sequence change replaces serine, which is neutral and polar, with proline, which is neutral and non-polar, at codon 333 of the PRKAG2 protein (p.Ser333Pro). This variant is not present in population databases (gnomAD no frequency). This missense change has been observed in individual(s) with hypertrophic cardiomyopathy (PMID: 28431061). It has also been observed to segregate with disease in related individuals. Advanced modeling of protein sequence and biophysical properties (such as structural, functional, and spatial information, amino acid conservation, physicochemical variation, residue mobility, and thermodynamic stability) has been performed at Invitae for this missense variant, however the output from this modeling did not meet the statistical confidence thresholds required to predict the impact of this variant on PRKAG2 protein function. For these reasons, this variant has been classified as Pathogenic.

Literature cited by the submitters: PubMed 28431061.

NM_016203.4(PRKAG2):c.997T>C (p.Ser333Pro)

Gene: PRKAG2 (protein kinase AMP-activated non-catalytic subunit gamma 2; minus strand). Cytogenetic location: 7q36.1.
Variant type: single nucleotide variant.
Coding change: c.997T>C on transcript NM_016203.4 (MANE Select); coding-DNA position 997, T replaced by C.
Protein change: p.Ser333Pro; replaces serine 333 with proline.
Molecular consequence: missense variant.
Genome position (GRCh38, 1-based): chr7:151,574,899, A>G on the plus strand (T>C on the coding strand, the complement: PRKAG2 is on the minus strand). VCF-style: chr7-151574899-A-G. GRCh37 (hg19) VCF-style: chr7-151271985-A-G.
Other names: c.865T>C, p.Ser289Pro (NM_001040633.2, NM_001407024.1); c.622T>C, p.Ser208Pro (NM_001304527.2, NM_001407029.1); c.274T>C, p.Ser92Pro (NM_001304531.2, NM_001407034.1, NM_001407035.1 and 1 more transcripts); c.625T>C, p.Ser209Pro (NM_001363698.2, NM_001407028.1); c.997T>C, p.Ser333Pro (NM_001407021.1); c.994T>C, p.Ser332Pro (NM_001407022.1, NM_001407023.1); c.862T>C, p.Ser288Pro (NM_001407026.1, NM_001407027.1); c.709T>C, p.Ser237Pro (NM_001407030.1); and 6 more; short protein forms S237P, S333P, S91P, S92P, S208P, S209P, S225P, S236P.
Identifiers: ClinVar variation 3720795 (VCV003720795.2).